The following is an entry in ClinVar:

ClinVar aggregate classification (germline): Pathogenic/Likely pathogenic. Review status: criteria provided, multiple submitters, no conflicts (2 of 4 stars). 2 submissions from 2 submitters: Pathogenic (1); Likely pathogenic (1). Last evaluated 2024-06-05.

Conditions:
Immunodeficiency 105 (IMD105). Also called: Immunodeficiency 105, severe combined. Identifiers: MedGen C5677005, MONDO:0800104, OMIM 619924.
Immunodeficiency 104. Also called: Severe combined immunodeficiency, autosomal recessive, T cell-negative, B cell-positive, NK cell-positive; Severe Combined Immune Deficiency, Autosomal Recessive, TCell -Negative, B Cell-Positive, NK Cell-Positive, IL7R-Related; SCID, AUTOSOMAL RECESSIVE, T CELL-NEGATIVE, B CELL-POSITIVE, NK CELL-POSITIVE; IMMUNODEFICIENCY 104, SEVERE COMBINED. Identifiers: MedGen C5676890, MONDO:0012163, OMIM 608971.

Allele frequency attached by ClinVar (database versions not stated): gnomAD exomes below 0.00001.
gnomAD v4.1: 4 of 1,612,072 alleles (0.00025%); highest among the groups gnomAD compares: Non-Finnish European, 0.00034%; no homozygotes.

Submissions (2):

Fulgent Genetics
Classification: Likely pathogenic for Immunodeficiency 105. Last evaluated: 2024-06-05. Review status: criteria provided, single submitter. Criteria: ACMG Guidelines, 2015. Collection method: clinical testing. Allele origin: germline.

Labcorp Genetics (formerly Invitae), Labcorp
Classification: Pathogenic for Immunodeficiency 104. Last evaluated: 2023-10-07. Review status: criteria provided, single submitter. Criteria: Invitae Variant Classification Sherloc (09022015). Collection method: clinical testing. Allele origin: germline.
Comment: This sequence change creates a premature translational stop signal (p.Arg890*) in the PTPRC gene. It is expected to result in an absent or disrupted protein product. Loss-of-function variants in PTPRC are known to be pathogenic (PMID: 10700239). This variant is not present in population databases (gnomAD no frequency). This variant has not been reported in the literature in individuals affected with PTPRC-related conditions. For these reasons, this variant has been classified as Pathogenic.

Literature cited by the submitters: PubMed 10700239 (cited by Labcorp Genetics (formerly Invitae), Labcorp).

NM_002838.5(PTPRC):c.2668C>T (p.Arg890Ter)

Gene: PTPRC (protein tyrosine phosphatase receptor type C; plus strand). Cytogenetic location: 1q32.1.
Variant type: single nucleotide variant.
Coding change: c.2668C>T on transcript NM_002838.5 (MANE Select); coding-DNA position 2668, C replaced by T.
Protein change: p.Arg890Ter; replaces arginine 890 with a stop codon.
Molecular consequence: nonsense.
Genome position (GRCh38, 1-based): chr1:198,742,338, C>T. VCF-style: chr1-198742338-C-T. GRCh37 (hg19) VCF-style: chr1-198711467-C-T.
Other names: c.2185C>T, p.Arg729Ter (NM_080921.4); short protein forms R729*, R890*.
Identifiers: ClinVar variation 2819338 (VCV002819338.4), dbSNP rs1654941272, ClinGen allele CA344051288.